The following is an entry in ClinVar:

NM_022436.3(ABCG5):c.1640G>C (p.Gly547Ala)

Genes: DYNC2LI1 (dynein cytoplasmic 2 light intermediate chain 1; plus strand), ABCG5 (ATP binding cassette subfamily G member 5; minus strand). Cytogenetic location: 2p21.
Variant type: single nucleotide variant.
Coding change: c.1640G>C on transcript NM_022436.3 (MANE Select); coding-DNA position 1640, G replaced by C.
Protein change: p.Gly547Ala; replaces glycine 547 with alanine.
Molecular consequence: missense variant. On other transcripts: intron variant (2).
Genome position (GRCh38, 1-based): chr2:43,819,924, C>G on the plus strand (G>C on the coding strand, the complement: ABCG5 is on the minus strand). VCF-style: chr2-43819924-C-G. GRCh37 (hg19) VCF-style: chr2-44047063-C-G.
Other names: c.*16-7462C>G (NM_001348913.2, NM_001348912.2); short protein forms G547A.
Identifiers: ClinVar variation 1337880 (VCV001337880.5), dbSNP rs2104783854, ClinGen allele CA346662777.

ClinVar aggregate classification (germline): Uncertain significance (1 of 4 stars; one submission).

Submission:

Genetic Services Laboratory, University of Chicago
Classification: Uncertain significance. Last evaluated: 2021-04-02. Review status: criteria provided, single submitter. Criteria: ACMG Guidelines, 2015. Collection method: clinical testing. Allele origin: germline. Affected: no.
Comment: DNA sequence analysis of the ABCG5 gene demonstrated a sequence change, c.1640G>C, in exon 11 that results in an amino acid change, p.Gly547Ala. This sequence change is absent from known population databases (gnomAD). The p.Gly547Ala change affects a highly conserved amino acid residue located in a domain of the ABCG5 protein that is known to be functional. In-silico pathogenicity prediction tools (SIFT, PolyPhen2, Align GVGD, REVEL) provide contradictory results for the p.Gly547Ala substitution. This sequence change does not appear to have been previously described in patients with ABCG5-related disorders. Due to the lack of sufficient evidences, the clinical significance of the p.Gly547Ala change remains unknown at this time.